The following is an entry in ClinVar:

ClinVar aggregate classification (germline): Uncertain significance. Review status: criteria provided, multiple submitters, no conflicts (2 of 4 stars). 2 submissions from 2 submitters: Uncertain significance (2). Last evaluated 2025-04-04.

Conditions:
Fanconi anemia (FA). Also called: Fanconi's anemia. Identifiers: Orphanet 84, MedGen C0015625, MeSH D005199, MONDO:0019391.
Inborn genetic diseases. Identifiers: MedGen C0950123, MeSH D030342.

Submissions (2):

Labcorp Genetics (formerly Invitae), Labcorp
Classification: Uncertain significance for Fanconi anemia. Last evaluated: 2025-04-04. Review status: criteria provided, single submitter. Criteria: Invitae Variant Classification Sherloc (09022015). Collection method: clinical testing. Allele origin: germline.
Comment: This sequence change replaces valine, which is neutral and non-polar, with isoleucine, which is neutral and non-polar, at codon 1623 of the FANCM protein (p.Val1623Ile). This variant is not present in population databases (gnomAD no frequency). This variant has not been reported in the literature in individuals affected with FANCM-related conditions. An algorithm developed to predict the effect of missense changes on protein structure and function outputs the following: PolyPhen-2: "Benign". The isoleucine amino acid residue is found in multiple mammalian species, which suggests that this missense change does not adversely affect protein function. In summary, the available evidence is currently insufficient to determine the role of this variant in disease. Therefore, it has been classified as a Variant of Uncertain Significance.

Ambry Genetics
Classification: Uncertain significance for Inborn genetic diseases. Last evaluated: 2024-12-15. Review status: criteria provided, single submitter. Criteria: Ambry Variant Classification Scheme 2023. Collection method: clinical testing. Allele origin: germline.
Comment: The p.V1623I variant (also known as c.4867G>A), located in coding exon 20 of the FANCM gene, results from a G to A substitution at nucleotide position 4867. The valine at codon 1623 is replaced by isoleucine, an amino acid with highly similar properties. This amino acid position is conserved. In addition, this alteration is predicted to be tolerated by in silico analysis. Based on the available evidence, the clinical significance of this variant remains unclear.

NM_020937.4(FANCM):c.4867G>A (p.Val1623Ile)

Gene: FANCM (FA complementation group M; plus strand). Cytogenetic location: 14q21.2.
Variant type: single nucleotide variant.
Coding change: c.4867G>A on transcript NM_020937.4 (MANE Select); coding-DNA position 4867, G replaced by A.
Protein change: p.Val1623Ile; replaces valine 1623 with isoleucine.
Molecular consequence: missense variant.
Genome position (GRCh38, 1-based): chr14:45,188,889, G>A. VCF-style: chr14-45188889-G-A. GRCh37 (hg19) VCF-style: chr14-45658092-G-A.
Other names: c.4789G>A, p.Val1597Ile (NM_001308133.2); short protein forms V1597I, V1623I.
Identifiers: ClinVar variation 3848500 (VCV003848500.2).